The following is an entry in ClinVar:

NM_001083961.2(WDR62):c.2249A>G (p.Asn750Ser)

Gene: WDR62 (WD repeat domain 62; plus strand). Cytogenetic location: 19q13.12.
Variant type: single nucleotide variant.
Coding change: c.2249A>G on transcript NM_001083961.2 (MANE Select); coding-DNA position 2249, A replaced by G.
Protein change: p.Asn750Ser; replaces asparagine 750 with serine.
Molecular consequence: missense variant.
Genome position (GRCh38, 1-based): chr19:36,092,727, A>G. VCF-style: chr19-36092727-A-G. GRCh37 (hg19) VCF-style: chr19-36583629-A-G.
Other names: c.2249A>G, p.Asn750Ser (NM_173636.5); short protein forms N750S.
Identifiers: ClinVar variation 1380652 (VCV001380652.6), dbSNP rs2145795568, ClinGen allele CA405443955.

ClinVar aggregate classification (germline): Uncertain significance (1 of 4 stars; one submission).

Allele frequency attached by ClinVar (database versions not stated): gnomAD exomes below 0.00001.
gnomAD v4.1: 1 of 1,614,180 alleles (0.000062%); highest among the groups gnomAD compares: Admixed American, 0.0017%; no homozygotes.

Submission:

Labcorp Genetics (formerly Invitae), Labcorp
Classification: Uncertain significance. Last evaluated: 2021-12-24. Review status: criteria provided, single submitter. Criteria: Invitae Variant Classification Sherloc (09022015). Collection method: clinical testing. Allele origin: germline.
Comment: In summary, the available evidence is currently insufficient to determine the role of this variant in disease. Therefore, it has been classified as a Variant of Uncertain Significance. Algorithms developed to predict the effect of missense changes on protein structure and function output the following: SIFT: "Tolerated"; PolyPhen-2: "Benign"; Align-GVGD: "Class C0". The serine amino acid residue is found in multiple mammalian species, which suggests that this missense change does not adversely affect protein function. This variant has not been reported in the literature in individuals affected with WDR62-related conditions. This variant is not present in population databases (gnomAD no frequency). This sequence change replaces asparagine, which is neutral and polar, with serine, which is neutral and polar, at codon 750 of the WDR62 protein (p.Asn750Ser).